The following is an entry in ClinVar:

NM_000238.4(KCNH2):c.783G>A (p.Ser261=)

Gene: KCNH2 (potassium voltage-gated channel subfamily H member 2; minus strand). Cytogenetic location: 7q36.1.
Variant type: single nucleotide variant.
Coding change: c.783G>A on transcript NM_000238.4 (MANE Select); coding-DNA position 783, G replaced by A.
Protein change: p.Ser261=; no amino-acid change (serine 261 retained).
Molecular consequence: synonymous variant. On other transcripts: non-coding transcript variant (1).
Genome position (GRCh38, 1-based): chr7:150,958,192, C>T on the plus strand (G>A on the coding strand, the complement: KCNH2 is on the minus strand). VCF-style: chr7-150958192-C-T. GRCh37 (hg19) VCF-style: chr7-150655280-C-T.
Other names: c.495G>A, p.Ser165= (NM_001406753.1, NM_001406756.1); c.606G>A, p.Ser202= (NM_001406755.1); c.483G>A, p.Ser161= (NM_001406757.1); c.783G>A, p.Ser261= (NM_172056.3).
Identifiers: ClinVar variation 377951 (VCV000377951.46), dbSNP rs769470521, ClinGen allele CA040641.

ClinVar aggregate classification (germline): Benign/Likely benign. Review status: criteria provided, multiple submitters, no conflicts (2 of 4 stars). 6 submissions from 6 submitters: Benign (2); Likely benign (4). Last evaluated 2025-12-22.

Conditions:
Cardiovascular phenotype. Identifiers: MedGen CN230736.
Long QT syndrome 2 (LQT2). Identifiers: Orphanet 101016, Orphanet 768, MedGen C3150943, MONDO:0013367, OMIM 613688.
Long QT syndrome (LQTS). Identifiers: MedGen C0023976, MeSH D008133, MONDO:0002442. Disease mechanism: loss of function. Inheritance: Various modes of inheritance.

Allele frequency attached by ClinVar (database versions not stated): gnomAD 0.00004; TOPMed 0.00004; gnomAD exomes 0.00018; ExAC 0.00051.
gnomAD v4.1: 48 of 1,359,854 alleles (0.0035%); highest among the groups gnomAD compares: Non-Finnish European, 0.00094%; no homozygotes.

Submissions (6):

Labcorp Genetics (formerly Invitae), Labcorp
Classification: Benign for Long QT syndrome. Last evaluated: 2025-12-22. Review status: criteria provided, single submitter. Criteria: Invitae Variant Classification Sherloc (09022015). Collection method: clinical testing. Allele origin: germline.

Blueprint Genetics
Classification: Likely benign. Last evaluated: 2023-11-21. Review status: criteria provided, single submitter. Criteria: ACMG Guidelines, 2015. Collection method: clinical testing. Allele origin: germline.

CeGaT Center for Human Genetics Tuebingen
Classification: Likely benign. Last evaluated: 2023-11-01. Review status: criteria provided, single submitter. Criteria: CeGaT Center For Human Genetics Tuebingen Variant Classification Criteria Version 2. Collection method: clinical testing. Allele origin: germline. Affected: yes. Observed: 2 variant alleles.
Comment: KCNH2: BP4, BP7

Ambry Genetics
Classification: Likely benign for Cardiovascular phenotype. Last evaluated: 2022-05-24. Review status: criteria provided, single submitter. Criteria: Ambry Variant Classification Scheme 2023. Collection method: clinical testing. Allele origin: germline.

Illumina Laboratory Services, Illumina
Classification: Likely benign for Long QT syndrome 2. Last evaluated: 2017-08-02. Review status: criteria provided, single submitter. Criteria: ICSL Variant Classification Criteria 13 December 2019. Collection method: clinical testing. Allele origin: germline.
Comment: This variant was observed as part of a predisposition screen in an ostensibly healthy population. A literature search was performed for the gene, cDNA change, and amino acid change (where applicable). No publications were found based on this search. Allele frequency data from public databases allowed determination this variant is unlikely to cause disease. Therefore, this variant is classified as likely benign.

GeneDx
Classification: Benign. Last evaluated: 2015-05-09. Review status: criteria provided, single submitter. Criteria: GeneDx Variant Classification (06012015). Collection method: clinical testing. Allele origin: germline. Affected: yes.
Comment: This variant is considered likely benign or benign based on one or more of the following criteria: it is a conservative change, it occurs at a poorly conserved position in the protein, it is predicted to be benign by multiple in silico algorithms, and/or has population frequency not consistent with disease.